The following is an entry in ClinVar:

Conditions:
Long QT syndrome 5 (LQT5). Identifiers: Orphanet 101016, Orphanet 768, MedGen C1867904, MONDO:0013372, OMIM 613695.

Submission:

Roden Lab, Vanderbilt University Medical Center
No classification provided (evidence only). Condition: Long QT syndrome 5. Review status: no classification provided. Collection method: in vitro. Allele origin: not applicable. Functional consequence: Effect on ion channel function.
ClinVar note: "not provided" was previously submitted as the classification for the variant. However, the classification appeared to be based only on an observation of functional data so it was converted to no classification on 2025-07-30.

NM_000219.6(KCNE1):c.134T>C (p.Leu45Pro)

Gene: KCNE1 (potassium voltage-gated channel subfamily E regulatory subunit 1; minus strand). Cytogenetic location: 21q22.12.
Variant type: single nucleotide variant.
Coding change: c.134T>C on transcript NM_000219.6 (MANE Select); coding-DNA position 134, T replaced by C.
Protein change: p.Leu45Pro; replaces leucine 45 with proline.
Molecular consequence: missense variant.
Genome position (GRCh38, 1-based): chr21:34,449,501, A>G on the plus strand (T>C on the coding strand, the complement: KCNE1 is on the minus strand). VCF-style: chr21-34449501-A-G. GRCh37 (hg19) VCF-style: chr21-35821799-A-G.
Other names: c.134T>C, p.Leu45Pro (NM_001127668.4, NM_001127669.4, NM_001127670.4 and 4 more transcripts); short protein forms L45P.
Identifiers: ClinVar variation 3374137 (VCV003374137.2).